The following is an entry in ClinVar:

ClinVar aggregate classification (germline): Uncertain significance (1 of 4 stars; one submission).

Conditions:
Charcot-Marie-Tooth disease axonal type 2P. Also called: CHARCOT-MARIE-TOOTH DISEASE, AXONAL, TYPE 2G; CMT 2G; Charcot-Marie-Tooth Neuropathy Type 2G; CHARCOT-MARIE-TOOTH NEUROPATHY, TYPE 2P. Identifiers: Orphanet 300319, Orphanet 99941, MedGen C3280797, MONDO:0013753, OMIM 614436.

Allele frequency attached by ClinVar (database versions not stated): gnomAD exomes below 0.00001; TOPMed below 0.00001.
gnomAD v4.1: 1 of 1,614,158 alleles (0.000062%); highest among the groups gnomAD compares: Non-Finnish European, 0.000085%; no homozygotes.

Submission:

Labcorp Genetics (formerly Invitae), Labcorp
Classification: Uncertain significance for Charcot-Marie-Tooth disease axonal type 2P. Last evaluated: 2022-11-28. Review status: criteria provided, single submitter. Criteria: Invitae Variant Classification Sherloc (09022015). Collection method: clinical testing. Allele origin: germline.
Comment: This sequence change replaces glutamic acid, which is acidic and polar, with lysine, which is basic and polar, at codon 275 of the LRSAM1 protein (p.Glu275Lys). This variant is present in population databases (no rsID available, gnomAD 0.0009%). This variant has not been reported in the literature in individuals affected with LRSAM1-related conditions. ClinVar contains an entry for this variant (Variation ID: 1035848). Advanced modeling of protein sequence and biophysical properties (such as structural, functional, and spatial information, amino acid conservation, physicochemical variation, residue mobility, and thermodynamic stability) performed at Invitae indicates that this missense variant is not expected to disrupt LRSAM1 protein function. In summary, the available evidence is currently insufficient to determine the role of this variant in disease. Therefore, it has been classified as a Variant of Uncertain Significance.

NM_001005373.4(LRSAM1):c.823G>A (p.Glu275Lys)

Gene: LRSAM1 (leucine rich repeat and sterile alpha motif containing 1; plus strand). Cytogenetic location: 9q33.3.
Variant type: single nucleotide variant.
Coding change: c.823G>A on transcript NM_001005373.4 (MANE Select); coding-DNA position 823, G replaced by A.
Protein change: p.Glu275Lys; replaces glutamic acid 275 with lysine.
Molecular consequence: missense variant. On other transcripts: non-coding transcript variant (2).
Genome position (GRCh38, 1-based): chr9:127,479,425, G>A. VCF-style: chr9-127479425-G-A. GRCh37 (hg19) VCF-style: chr9-130241704-G-A.
Other names: c.823G>A, p.Glu275Lys (NM_001005374.4, NM_001190723.3, NM_001384142.1 and 2 more transcripts); c.34G>A, p.Glu12Lys (NM_001384144.1); short protein forms E12K, E275K.
Identifiers: ClinVar variation 1035848 (VCV001035848.8), dbSNP rs767107676, ClinGen allele CA374931160.